The following is an entry in ClinVar:

ClinVar aggregate classification (germline): Likely pathogenic (1 of 4 stars; one submission).

Conditions:
Dilated cardiomyopathy 1G (CMD1G). Identifiers: Orphanet 154, MedGen C1858763, MONDO:0011400, OMIM 604145.
Autosomal recessive limb-girdle muscular dystrophy type 2J (LGMDR10). Also called: Limb-girdle muscular dystrophy, type 2J; MUSCULAR DYSTROPHY, LIMB-GIRDLE, AUTOSOMAL RECESSIVE 10. Identifiers: Orphanet 140922, MedGen C1837342, MONDO:0012127, OMIM 608807.

Submission:

Labcorp Genetics (formerly Invitae), Labcorp
Classification: Likely pathogenic for Dilated cardiomyopathy 1G; Autosomal recessive limb-girdle muscular dystrophy type 2J. Last evaluated: 2024-08-21. Review status: criteria provided, single submitter. Criteria: Invitae Variant Classification Sherloc (09022015). Collection method: clinical testing. Allele origin: germline.
Comment: This sequence change creates a premature translational stop signal (p.Arg34435Serfs*5) in the TTN gene. While this is not anticipated to result in nonsense mediated decay, it is expected to create a truncated TTN protein. This variant is not present in population databases (gnomAD no frequency). This variant has not been reported in the literature in individuals affected with TTN-related conditions. This variant is located in the M band of TTN (PMID: 25589632). Truncating variants in this region have been previously reported in individuals affected with autosomal recessive myopathy and muscular dystrophy (PMID: 18948003, 23975875, 24395473). Truncating variants in this region have also been identified in individuals affected with autosomal dominant dilated cardiomyopathy and/or cardio-related conditions (PMID: 27869827, 32964742, internal data). In summary, the currently available evidence indicates that the variant is pathogenic, but additional data are needed to prove that conclusively. Therefore, this variant has been classified as Likely Pathogenic.

Literature cited by the submitters: PubMed 25589632; PubMed 18948003; PubMed 23975875; PubMed 24395473; PubMed 27869827; PubMed 32964742.

NM_001267550.2(TTN):c.103305_103306del (p.Arg34435fs)

Genes: TTN (titin; minus strand), TTN-AS1 (TTN antisense RNA 1; plus strand). Cytogenetic location: 2q31.2.
Variant type: Microsatellite.
Coding change: c.103305_103306del on transcript NM_001267550.2 (MANE Select); coding-DNA positions 103305 to 103306, 2 bases deleted (AG; older notation c.103305_103306delAG).
Protein change: p.Arg34435fs; shifts the reading frame from arginine 34435.
Molecular consequence: frameshift variant.
Genome position (GRCh38, 1-based): chr2:178,533,309-178,533,310, CT deleted on the plus strand (AG on the coding strand, the reverse complement: TTN is on the minus strand); deleting any 2 consecutive bases within chr2:178,533,309-178,533,312 gives the same sequence; the c. name uses the placement nearest the transcript's 3' end. VCF-style (leftmost placement, unchanged base first): chr2-178533308-ACT-A. GRCh37 (hg19) VCF-style: chr2-179398035-ACT-A.
Other names: c.98382_98383del, p.Arg32794fs (NM_001256850.1); c.76110_76111del, p.Arg25370fs (NM_003319.4); c.95601_95602del, p.Arg31867fs (NM_133378.4); c.76485_76486del, p.Arg25495fs (NM_133432.3); c.76686_76687del, p.Arg25562fs (NM_133437.4); short protein forms R25370fs, R25495fs, R25562fs, R31867fs, R32794fs, R34435fs.
Identifiers: ClinVar variation 3757781 (VCV003757781.2).